The following is an entry in ClinVar:

ClinVar aggregate classification (germline): Uncertain significance. Review status: criteria provided, multiple submitters, no conflicts (2 of 4 stars). 3 submissions from 3 submitters: Uncertain significance (3). Last evaluated 2024-05-11.

Conditions:
Inborn genetic diseases. Identifiers: MedGen C0950123, MeSH D030342.
RAPH BLOOD GROUP SYSTEM. Also called: MER2 BLOOD CELL ANTIGEN EXPRESSION. Identifiers: MedGen C1867341, OMIM 179620.
Epidermolysis bullosa simplex 7, with nephropathy and deafness. Also called: Nephrotic syndrome - deafness - pretibial epidermolysis bullosa syndrome; Nephropathy with Pretibial Epidermolysis Bullosa and Deafness. Identifiers: Orphanet 300333, MedGen C1836823, MONDO:0012190, OMIM 609057.

Allele frequency attached by ClinVar (database versions not stated): ExAC 0.00004; gnomAD 0.00007; ESP Exome Variant Server 0.00008; TOPMed 0.00008.
gnomAD v4.1: 30 of 1,613,052 alleles (0.0019%); highest among the groups gnomAD compares: African/African-American, 0.039%; no homozygotes.

Submissions (3):

Fulgent Genetics
Classification: Uncertain significance for RAPH BLOOD GROUP SYSTEM; Epidermolysis bullosa simplex 7, with nephropathy and deafness. Last evaluated: 2024-05-11. Review status: criteria provided, single submitter. Criteria: ACMG Guidelines, 2015. Collection method: clinical testing. Allele origin: germline.

Ambry Genetics
Classification: Uncertain significance for Inborn genetic diseases. Last evaluated: 2023-12-18. Review status: criteria provided, single submitter. Criteria: Ambry Variant Classification Scheme 2023. Collection method: clinical testing. Allele origin: germline.

Labcorp Genetics (formerly Invitae), Labcorp
Classification: Uncertain significance. Last evaluated: 2022-11-26. Review status: criteria provided, single submitter. Criteria: Invitae Variant Classification Sherloc (09022015). Collection method: clinical testing. Allele origin: germline.
Comment: In summary, the available evidence is currently insufficient to determine the role of this variant in disease. Therefore, it has been classified as a Variant of Uncertain Significance. Algorithms developed to predict the effect of missense changes on protein structure and function output the following: SIFT: "Tolerated"; PolyPhen-2: "Benign"; Align-GVGD: "Class C0". The leucine amino acid residue is found in multiple mammalian species, which suggests that this missense change does not adversely affect protein function. This variant has not been reported in the literature in individuals affected with CD151-related conditions. This variant is present in population databases (rs145755423, gnomAD 0.06%), and has an allele count higher than expected for a pathogenic variant. This sequence change replaces valine, which is neutral and non-polar, with leucine, which is neutral and non-polar, at codon 188 of the CD151 protein (p.Val188Leu).

NM_004357.5(CD151):c.562G>C (p.Val188Leu)

Gene: CD151 (CD151 molecule (Raph blood group); plus strand). Cytogenetic location: 11p15.5.
Variant type: single nucleotide variant.
Coding change: c.562G>C on transcript NM_004357.5 (MANE Select); coding-DNA position 562, G replaced by C.
Protein change: p.Val188Leu; replaces valine 188 with leucine.
Molecular consequence: missense variant.
Genome position (GRCh38, 1-based): chr11:837,565, G>C. VCF-style: chr11-837565-G-C. GRCh37 (hg19) VCF-style: chr11-837565-G-C.
Other names: c.562G>C, p.Val188Leu (NM_001039490.2, NM_139029.2, NM_139030.4); short protein forms V188L.
Identifiers: ClinVar variation 2717855 (VCV002717855.5), dbSNP rs145755423, ClinGen allele CA5792260.